The following is an entry in ClinVar:

ClinVar aggregate classification (germline): Uncertain significance (1 of 4 stars; one submission).

Conditions:
Pyogenic arthritis-pyoderma gangrenosum-acne syndrome (PAPA). Also called: PAPA SYNDROME; FAMILIAL RECURRENT ARTHRITIS. Identifiers: Orphanet 69126, MedGen C1858361, MONDO:0011462, OMIM 604416.

Allele frequency attached by ClinVar (database versions not stated): TOPMed below 0.00001.
gnomAD v4.1: 1 of 1,556,406 alleles (0.000064%); highest among the groups gnomAD compares: Non-Finnish European, 0.000087%; no homozygotes.

Submission:

Labcorp Genetics (formerly Invitae), Labcorp
Classification: Uncertain significance for Pyogenic arthritis-pyoderma gangrenosum-acne syndrome. Last evaluated: 2023-11-16. Review status: criteria provided, single submitter. Criteria: Invitae Variant Classification Sherloc (09022015). Collection method: clinical testing. Allele origin: germline.
Comment: This sequence change falls in intron 6 of the PSTPIP1 gene. It does not directly change the encoded amino acid sequence of the PSTPIP1 protein. It affects a nucleotide within the consensus splice site. This variant is not present in population databases (gnomAD no frequency). This variant has not been reported in the literature in individuals affected with PSTPIP1-related conditions. ClinVar contains an entry for this variant (Variation ID: 951441). Variants that disrupt the consensus splice site are a relatively common cause of aberrant splicing (PMID: 17576681, 9536098). Algorithms developed to predict the effect of sequence changes on RNA splicing suggest that this variant is not likely to affect RNA splicing. In summary, the available evidence is currently insufficient to determine the role of this variant in disease. Therefore, it has been classified as a Variant of Uncertain Significance.

Literature cited by the submitters: PubMed 17576681; PubMed 9536098.

NM_003978.5(PSTPIP1):c.417+6C>G

Gene: PSTPIP1 (proline-serine-threonine phosphatase interacting protein 1; plus strand). Cytogenetic location: 15q24.3.
Variant type: single nucleotide variant.
Coding change: c.417+6C>G on transcript NM_003978.5 (MANE Select); 6 bases into the intron after coding-DNA position 417, C replaced by G.
Molecular consequence: intron variant.
Genome position (GRCh38, 1-based): chr15:77,027,920, C>G. VCF-style: chr15-77027920-C-G. GRCh37 (hg19) VCF-style: chr15-77320261-C-G.
Other names: c.612+6C>G (NM_001321137.1); c.390+6C>G (NM_001321136.2); c.417+6C>G (NM_001321135.2).
Identifiers: ClinVar variation 951441 (VCV000951441.9), dbSNP rs2076320514, ClinGen allele CA971679976.
Genomic context (GRCh38, chr15:77,027,920, plus strand): 5'-CGTCATGGACCGGGTCCAGAAGAGCAAGCTGTCGCTCTACAAGAAGGCCATGGAGGTGAG[C>G]GCCAGGGCCTGGGGCCGCGGCCTTCCCTCGAGGAGCAGCGCAGGTCTCAGGGTGCGATCC-3'